The following is an entry in ClinVar:

NM_014989.7(RIMS1):c.1405C>G (p.Pro469Ala)

Gene: RIMS1 (regulating synaptic membrane exocytosis 1; plus strand). Cytogenetic location: 6q13.
Variant type: single nucleotide variant.
Coding change: c.1405C>G on transcript NM_014989.7 (MANE Select); coding-DNA position 1405, C replaced by G.
Protein change: p.Pro469Ala; replaces proline 469 with alanine.
Molecular consequence: missense variant.
Genome position (GRCh38, 1-based): chr6:72,182,876, C>G. VCF-style: chr6-72182876-C-G. GRCh37 (hg19) VCF-style: chr6-72892579-C-G.
Other names: short protein forms P469A.
Identifiers: ClinVar variation 934490 (VCV000934490.9), dbSNP rs773912494, ClinGen allele CA141417552.

ClinVar aggregate classification (germline): Uncertain significance (1 of 4 stars; one submission).

Allele frequency attached by ClinVar (database versions not stated): gnomAD 0.00004 and 0.00006; TOPMed 0.00004.
gnomAD v4.1: 12 of 1,563,550 alleles (0.00077%); highest among the groups gnomAD compares: African/African-American, 0.015%; no homozygotes.

Submission:

Labcorp Genetics (formerly Invitae), Labcorp
Classification: Uncertain significance. Last evaluated: 2024-12-08. Review status: criteria provided, single submitter. Criteria: Invitae Variant Classification Sherloc (09022015). Collection method: clinical testing. Allele origin: germline.
Comment: This sequence change replaces proline, which is neutral and non-polar, with alanine, which is neutral and non-polar, at codon 469 of the RIMS1 protein (p.Pro469Ala). This variant is not present in population databases (gnomAD no frequency). This missense change has been observed in individual(s) with clinical features of RIMS1-related conditions (internal data). ClinVar contains an entry for this variant (Variation ID: 934490). An algorithm developed to predict the effect of missense changes on protein structure and function (PolyPhen-2) suggests that this variant is likely to be tolerated. In summary, the available evidence is currently insufficient to determine the role of this variant in disease. Therefore, it has been classified as a Variant of Uncertain Significance.